The following is an entry in ClinVar:

ClinVar aggregate classification (germline): Likely benign. Review status: reviewed by expert panel (3 of 4 stars). 2 submissions from 2 submitters: Likely benign (1). 1 of the submissions does not count toward it. Last evaluated 2022-07-07.

Conditions:
Hereditary thrombocytopenia and hematological cancer predisposition syndrome associated with RUNX1. Also called: PLATELET DISORDER, ASPIRIN-LIKE; Familial Platelet Disorder with Propensity to Acute Myelogenous Leukemia; Familial thrombocytopenia with propensity to acute myelogenous leukemia; RUNX1 Familial Platelet Disorder with Associated Myeloid Malignancies. Identifiers: Orphanet 71290, MedGen C1832388, MeSH C563324, MONDO:0100083, OMIM 601399.
Hereditary thrombocytopenia and hematologic cancer predisposition syndrome. Identifiers: Orphanet 71290, MedGen CN281654, MONDO:0011071.

Submissions (2):

ClinGen Myeloid Malignancy Variant Curation Expert Panel
Classification: Likely benign for Hereditary thrombocytopenia and hematologic cancer predisposition syndrome. Last evaluated: 2022-07-07. Review status: reviewed by expert panel. Criteria: ClinGen MyeloMalig ACMG Specifications v2. Collection method: curation. Allele origin: germline. Inheritance: Autosomal dominant inheritance.
Comment: This c.402T>C (p.Ala134=) synonymous variant is located at a non-conserved nucleotide per an evolutionary conservation prediction algorithm (PhyloP score = -2.40196 in GRCh38); it is not predicted to have any splicing impact per SpliceAI (BP7+BP4). The variant is absent from population databases, including gnomAD v2 and v3 (PM2_supporting). In summary, this variant meets criteria to be classified as likely benign. ACMG/AMP criteria applied, as specified by the ClinGen Myeloid Malignancy Variant Curation Expert Panel for RUNX1 (version 2): BP4, BP7, and PM2_supporting.

Labcorp Genetics (formerly Invitae), Labcorp
Classification: Likely benign for Hereditary thrombocytopenia and hematological cancer predisposition syndrome associated with RUNX1. Last evaluated: 2023-06-04. Review status: criteria provided, single submitter. Criteria: Invitae Variant Classification Sherloc (09022015). Collection method: clinical testing. Allele origin: germline. Not counted in ClinVar's aggregate classification.

NM_001754.5(RUNX1):c.402T>C (p.Ala134=)

Genes: RUNX1 (RUNX family transcription factor 1; minus strand), RUNX1-AS1 (RUNX1 antisense RNA 1; plus strand). Cytogenetic location: 21q22.12.
Variant type: single nucleotide variant.
Coding change: c.402T>C on transcript NM_001754.5 (MANE Select); coding-DNA position 402, T replaced by C.
Protein change: p.Ala134=; no amino-acid change (alanine 134 retained).
Molecular consequence: synonymous variant.
Genome position (GRCh38, 1-based): chr21:34,880,663, A>G on the plus strand (T>C on the coding strand, the complement: RUNX1 is on the minus strand). VCF-style: chr21-34880663-A-G. GRCh37 (hg19) VCF-style: chr21-36252960-A-G.
Other names: NM_001754.4(RUNX1):c.402T>C; p.Ala134=; c.321T>C, p.Ala107= (NM_001001890.3, NM_001122607.2).
Identifiers: ClinVar variation 463995 (VCV000463995.12), dbSNP rs1555898635, ClinGen allele CA512318752.